The following is an entry in ClinVar:

ClinVar aggregate classification (germline): Uncertain significance. Review status: criteria provided, multiple submitters, no conflicts (2 of 4 stars). 2 submissions from 2 submitters: Uncertain significance (2). Last evaluated 2024-11-14.

Conditions:
Long QT syndrome (LQTS). Identifiers: MedGen C0023976, MeSH D008133, MONDO:0002442. Disease mechanism: loss of function. Inheritance: Various modes of inheritance.

Allele frequency attached by ClinVar (database versions not stated): gnomAD exomes below 0.00001; TOPMed below 0.00001; gnomAD 0.00004.
gnomAD v4.1: 12 of 1,614,088 alleles (0.00074%); highest among the groups gnomAD compares: South Asian, 0.0033%; no homozygotes.

Submissions (2):

Labcorp Genetics (formerly Invitae), Labcorp
Classification: Uncertain significance for Long QT syndrome. Last evaluated: 2024-11-14. Review status: criteria provided, single submitter. Criteria: Invitae Variant Classification Sherloc (09022015). Collection method: clinical testing. Allele origin: germline.
Comment: This sequence change replaces arginine, which is basic and polar, with tryptophan, which is neutral and slightly polar, at codon 996 of the ANK2 protein (p.Arg996Trp). This variant is present in population databases (no rsID available, gnomAD 0.03%). This missense change has been observed in individual(s) with clinical features of ANK2-related conditions (PMID: 33004838). ClinVar contains an entry for this variant (Variation ID: 1316468). Invitae Evidence Modeling of protein sequence and biophysical properties (such as structural, functional, and spatial information, amino acid conservation, physicochemical variation, residue mobility, and thermodynamic stability) indicates that this missense variant is not expected to disrupt ANK2 protein function with a negative predictive value of 80%. In summary, the available evidence is currently insufficient to determine the role of this variant in disease. Therefore, it has been classified as a Variant of Uncertain Significance.

GeneDx
Classification: Uncertain significance. Last evaluated: 2022-08-01. Review status: criteria provided, single submitter. Criteria: GeneDx Variant Classification Process June 2021. Collection method: clinical testing. Allele origin: germline. Affected: yes.
Comment: Identified in a cohort of patients with neurodevelopmental disorders (NDDs) in published literature (Wang et al., 2020); In silico analysis supports that this missense variant has a deleterious effect on protein structure/function; This variant is associated with the following publications: (PMID: 33004838)

Literature cited by the submitters: PubMed 33004838 (cited by Labcorp Genetics (formerly Invitae), Labcorp).

NM_001148.6(ANK2):c.2986C>T (p.Arg996Trp)

Gene: ANK2 (ankyrin 2; plus strand). Cytogenetic location: 4q26.
Variant type: single nucleotide variant.
Coding change: c.2986C>T on transcript NM_001148.6 (MANE Select); coding-DNA position 2986, C replaced by T.
Protein change: p.Arg996Trp; replaces arginine 996 with tryptophan.
Molecular consequence: missense variant.
Genome position (GRCh38, 1-based): chr4:113,330,331, C>T. VCF-style: chr4-113330331-C-T. GRCh37 (hg19) VCF-style: chr4-114251487-C-T.
Other names: c.2983C>T, p.Arg995Trp (NM_001354236.2, NM_001354246.2, NM_001354265.2 and 1 more transcripts); c.3064C>T, p.Arg1022Trp (NM_001354237.2, NM_001354230.2); c.2956C>T, p.Arg986Trp (NM_001354239.2, NM_001354252.2, NM_001354272.2); c.3031C>T, p.Arg1011Trp (NM_001354240.2, NM_001354241.2, NM_001386144.1); c.3028C>T, p.Arg1010Trp (NM_001354242.2, NM_001354231.2); c.2923C>T, p.Arg975Trp (NM_001354243.2, NM_001354245.2, NM_001354255.2 and 3 more transcripts); c.2920C>T, p.Arg974Trp (NM_001354244.2, NM_001354256.2, NM_001386161.1); c.2899C>T, p.Arg967Trp (NM_001354249.2, NM_001354264.2, NM_001354266.2 and 7 more transcripts); and 23 more; short protein forms R1000W, R1008W, R1010W, R1011W, R1015W, R1022W, R1035W, R1043W.
Identifiers: ClinVar variation 1316468 (VCV001316468.5), dbSNP rs1393086626, ClinGen allele CA357935073.